The following is an entry in ClinVar:

NM_001376.5(DYNC1H1):c.5718A>C (p.Gly1906=)

Gene: DYNC1H1 (dynein cytoplasmic 1 heavy chain 1; plus strand). Cytogenetic location: 14q32.31.
Variant type: single nucleotide variant.
Coding change: c.5718A>C on transcript NM_001376.5 (MANE Select); coding-DNA position 5718, A replaced by C.
Protein change: p.Gly1906=; no amino-acid change (glycine 1906 retained).
Molecular consequence: synonymous variant.
Genome position (GRCh38, 1-based): chr14:102,007,009, A>C. VCF-style: chr14-102007009-A-C. GRCh37 (hg19) VCF-style: chr14-102473346-A-C.
Identifiers: ClinVar variation 239000 (VCV000239000.25), dbSNP rs139070737, ClinGen allele CA7352475.

ClinVar aggregate classification (germline): Benign/Likely benign. Review status: criteria provided, multiple submitters, no conflicts (2 of 4 stars). 7 submissions from 7 submitters: Benign (3); Likely benign (3). 1 of the submissions does not count toward it. Last evaluated 2026-09-01.

Conditions:
DYNC1H1-related disorder. Also called: DYNC1H1-related disorders; DYNC1H1-related condition. Identifiers: MedGen CN381529.
Inborn genetic diseases. Identifiers: MedGen C0950123, MeSH D030342.
Charcot-Marie-Tooth disease axonal type 2O. Also called: CHARCOT-MARIE-TOOTH NEUROPATHY, AXONAL, TYPE 2O; CHARCOT-MARIE-TOOTH DISEASE, AXONAL, AUTOSOMAL DOMINANT, TYPE 2O; Charcot-Marie-Tooth disease, axonal, type 20; Charcot-Marie-Tooth Neuropathy Type 2O. Identifiers: Orphanet 284232, MedGen C3280220, MONDO:0013644, OMIM 614228.

Allele frequency attached by ClinVar (database versions not stated): gnomAD 0.00036 and 0.00035; ESP Exome Variant Server 0.00046; TOPMed 0.00047; 1000 Genomes Project 0.00080; 1000 Genomes Project 30x 0.00109; gnomAD exomes 0.00006 and 0.00015; ExAC 0.00016.
gnomAD v4.1: 155 of 1,614,188 alleles (0.0096%); highest among the groups gnomAD compares: African/African-American, 0.092%; no homozygotes.

Submissions (7):

CeGaT Center for Human Genetics Tuebingen
Classification: Likely benign. Last evaluated: 2026-09-01. Review status: criteria provided, single submitter. Criteria: CeGaT Center For Human Genetics Tuebingen Variant Classification Criteria Version 2. Collection method: clinical testing. Allele origin: germline. Affected: yes. Observed: 4 variant alleles.
Comment: DYNC1H1: BP4, BP7

Labcorp Genetics (formerly Invitae), Labcorp
Classification: Benign for Charcot-Marie-Tooth disease axonal type 2O. Last evaluated: 2026-01-14. Review status: criteria provided, single submitter. Criteria: Invitae Variant Classification Sherloc (09022015). Collection method: clinical testing. Allele origin: germline.

Blueprint Genetics
Classification: Likely benign. Last evaluated: 2024-11-14. Review status: criteria provided, single submitter. Criteria: ACMG Guidelines, 2015. Collection method: clinical testing. Allele origin: germline.

GeneDx
Classification: Benign. Last evaluated: 2019-03-15. Review status: criteria provided, single submitter. Criteria: GeneDx Variant Classification Process June 2021. Collection method: clinical testing. Allele origin: germline. Affected: yes.

Ambry Genetics
Classification: Likely benign for Inborn genetic diseases. Last evaluated: 2017-12-27. Review status: criteria provided, single submitter. Criteria: Ambry Variant Classification Scheme 2023. Collection method: clinical testing. Allele origin: germline.

Breakthrough Genomics
Classification: Benign. Review status: criteria provided, single submitter. Criteria: ACMG Guidelines, 2015. Collection method: not provided. Allele origin: germline. Inheritance: Autosomal dominant inheritance. Affected: yes.

PreventionGenetics, part of Exact Sciences
Classification: Likely benign for DYNC1H1-related condition. Last evaluated: 2020-11-10. Review status: no assertion criteria provided. Collection method: clinical testing. Allele origin: germline. Not counted in ClinVar's aggregate classification.
Comment: This variant is classified as likely benign based on ACMG/AMP sequence variant interpretation guidelines (Richards et al. 2015 PMID: 25741868, with internal and published modifications).